The following is an entry in ClinVar:

ClinVar aggregate classification (germline): Uncertain significance (1 of 4 stars; one submission).

Submission:

Labcorp Genetics (formerly Invitae), Labcorp
Classification: Uncertain significance. Last evaluated: 2024-03-15. Review status: criteria provided, single submitter. Criteria: Invitae Variant Classification Sherloc (09022015). Collection method: clinical testing. Allele origin: germline.
Comment: This sequence change replaces alanine, which is neutral and non-polar, with threonine, which is neutral and polar, at codon 46 of the RHOBTB2 protein (p.Ala46Thr). This variant is present in population databases (no rsID available, gnomAD no frequency). This variant has not been reported in the literature in individuals affected with RHOBTB2-related conditions. Advanced modeling of protein sequence and biophysical properties (such as structural, functional, and spatial information, amino acid conservation, physicochemical variation, residue mobility, and thermodynamic stability) has been performed at Invitae for this missense variant, however the output from this modeling did not meet the statistical confidence thresholds required to predict the impact of this variant on RHOBTB2 protein function. In summary, the available evidence is currently insufficient to determine the role of this variant in disease. Therefore, it has been classified as a Variant of Uncertain Significance.

NM_015178.3(RHOBTB2):c.70G>A (p.Ala24Thr)

Gene: RHOBTB2 (Rho related BTB domain containing 2; plus strand). Cytogenetic location: 8p21.3.
Variant type: single nucleotide variant.
Coding change: c.70G>A on transcript NM_015178.3 (MANE Select); coding-DNA position 70, G replaced by A.
Protein change: p.Ala24Thr; replaces alanine 24 with threonine.
Molecular consequence: missense variant.
Genome position (GRCh38, 1-based): chr8:23,004,504, G>A. VCF-style: chr8-23004504-G-A. GRCh37 (hg19) VCF-style: chr8-22862017-G-A.
Other names: c.136G>A, p.Ala46Thr (NM_001160036.2); c.91G>A, p.Ala31Thr (NM_001160037.2); c.70G>A, p.Ala24Thr (NM_001374791.1); short protein forms A24T, A31T, A46T.
Identifiers: ClinVar variation 3623003 (VCV003623003.2).